The following is an entry in ClinVar:

ClinVar aggregate classification (germline): Uncertain significance (1 of 4 stars; one submission).

Allele frequency attached by ClinVar (database versions not stated): gnomAD 0.00001; gnomAD exomes 0.00001; TOPMed 0.00001.
gnomAD v4.1: 10 of 1,608,450 alleles (0.00062%); highest among the groups gnomAD compares: Admixed American, 0.0083%; no homozygotes.

Submission:

Labcorp Genetics (formerly Invitae), Labcorp
Classification: Uncertain significance. Last evaluated: 2022-06-24. Review status: criteria provided, single submitter. Criteria: Invitae Variant Classification Sherloc (09022015). Collection method: clinical testing. Allele origin: germline.
Comment: This sequence change replaces proline, which is neutral and non-polar, with leucine, which is neutral and non-polar, at codon 376 of the IREB2 protein (p.Pro376Leu). This variant is present in population databases (no rsID available, gnomAD 0.009%). This variant has not been reported in the literature in individuals affected with IREB2-related conditions. Algorithms developed to predict the effect of missense changes on protein structure and function are either unavailable or do not agree on the potential impact of this missense change (SIFT: "Not Available"; PolyPhen-2: "Possibly Damaging"; Align-GVGD: "Not Available"). In summary, the available evidence is currently insufficient to determine the role of this variant in disease. Therefore, it has been classified as a Variant of Uncertain Significance.

NM_004136.4(IREB2):c.1127C>T (p.Pro376Leu)

Gene: IREB2 (iron responsive element binding protein 2; plus strand). Cytogenetic location: 15q25.1.
Variant type: single nucleotide variant.
Coding change: c.1127C>T on transcript NM_004136.4 (MANE Select); coding-DNA position 1127, C replaced by T.
Protein change: p.Pro376Leu; replaces proline 376 with leucine.
Molecular consequence: missense variant. On other transcripts: 3 prime UTR variant (1).
Genome position (GRCh38, 1-based): chr15:78,476,291, C>T. VCF-style: chr15-78476291-C-T. GRCh37 (hg19) VCF-style: chr15-78768633-C-T.
Other names: c.377C>T, p.Pro126Leu (NM_001320941.2); c.956C>T, p.Pro319Leu (NM_001320942.2, NM_001354994.2); c.*2901C>T (NM_001320943.2); short protein forms P126L, P376L, P319L.
Identifiers: ClinVar variation 1943856 (VCV001943856.5), dbSNP rs1192959867, ClinGen allele CA393569121.